The following is an entry in ClinVar:

ClinVar aggregate classification (germline): Benign/Likely benign. Review status: criteria provided, multiple submitters, no conflicts (2 of 4 stars). 5 submissions from 5 submitters: Benign (3); Likely benign (1). 1 of the submissions does not count toward it. Last evaluated 2026-01-30.

Conditions:
NLRP1-related disorder. Also called: NLRP1-related condition.

Allele frequency attached by ClinVar (database versions not stated): gnomAD exomes 0.00273 and 0.00673; ExAC 0.00808; gnomAD 0.02583 and 0.02776; ESP Exome Variant Server 0.02706; TOPMed 0.02906; 1000 Genomes Project 0.02995; 1000 Genomes Project 30x 0.03107.
gnomAD v4.1: 8,076 of 1,614,106 alleles (0.5%); highest among the groups gnomAD compares: African/African-American, 9.2%; 345 homozygotes.

Submissions (5):

Labcorp Genetics (formerly Invitae), Labcorp
Classification: Benign. Last evaluated: 2026-01-30. Review status: criteria provided, single submitter. Criteria: Invitae Variant Classification Sherloc (09022015). Collection method: clinical testing. Allele origin: germline.

Women's Health and Genetics/Laboratory Corporation of America, LabCorp
Classification: Likely benign. Last evaluated: 2026-01-21. Review status: criteria provided, single submitter. Criteria: LabCorp Variant Classification Summary - May 2015. Collection method: clinical testing. Allele origin: germline.

Mayo Clinic Laboratories, Mayo Clinic
Classification: Benign. Last evaluated: 2023-11-09. Review status: criteria provided, single submitter. Criteria: ACMG Guidelines, 2015. Collection method: clinical testing. Allele origin: germline. Observed: 9 variant alleles.
Comment: BA1, BS2

Breakthrough Genomics
Classification: Benign. Review status: criteria provided, single submitter. Criteria: ACMG Guidelines, 2015. Collection method: not provided. Allele origin: germline. Inheritance: Autosomal recessive inheritance. Affected: yes.

PreventionGenetics, part of Exact Sciences
Classification: Benign for NLRP1-related condition. Last evaluated: 2019-11-14. Review status: no assertion criteria provided. Collection method: clinical testing. Allele origin: germline. Not counted in ClinVar's aggregate classification.
Comment: This variant is classified as benign based on ACMG/AMP sequence variant interpretation guidelines (Richards et al. 2015 PMID: 25741868, with internal and published modifications).

NM_033004.4(NLRP1):c.1801A>T (p.Ile601Phe)

Gene: NLRP1 (NLR family pyrin domain containing 1; minus strand). Cytogenetic location: 17p13.2.
Variant type: single nucleotide variant.
Coding change: c.1801A>T on transcript NM_033004.4 (MANE Select); coding-DNA position 1801, A replaced by T.
Protein change: p.Ile601Phe; replaces isoleucine 601 with phenylalanine.
Molecular consequence: missense variant.
Genome position (GRCh38, 1-based): chr17:5,558,895, T>A on the plus strand (A>T on the coding strand, the complement: NLRP1 is on the minus strand). VCF-style: chr17-5558895-T-A. GRCh37 (hg19) VCF-style: chr17-5462215-T-A.
Other names: p.Ile601Phe; c.1801A>T, p.Ile601Phe (NM_001033053.3, NM_014922.5, NM_033006.4 and 1 more transcripts); short protein forms I601F.
Identifiers: ClinVar variation 780395 (VCV000780395.16), dbSNP rs73973843, ClinGen allele CA8327321.